The following is an entry in ClinVar:

NM_021625.5(TRPV4):c.221C>T (p.Ala74Val)

Gene: TRPV4 (transient receptor potential cation channel subfamily V member 4; minus strand). Cytogenetic location: 12q24.11.
Variant type: single nucleotide variant.
Coding change: c.221C>T on transcript NM_021625.5 (MANE Select); coding-DNA position 221, C replaced by T.
Protein change: p.Ala74Val; replaces alanine 74 with valine.
Molecular consequence: missense variant.
Genome position (GRCh38, 1-based): chr12:109,814,576, G>A on the plus strand (C>T on the coding strand, the complement: TRPV4 is on the minus strand). VCF-style: chr12-109814576-G-A. GRCh37 (hg19) VCF-style: chr12-110252381-G-A.
Other names: c.221C>T, p.Ala74Val (NM_001177428.2, NM_001177433.2, NM_147204.3); c.119C>T, p.Ala40Val (NM_001177431.2); short protein forms A40V, A74V.
Identifiers: ClinVar variation 2662382 (VCV002662382.2), dbSNP rs2548803294, ClinGen allele CA386660566.

ClinVar aggregate classification (germline): Uncertain significance (1 of 4 stars; one submission).

Submission:

GeneDx
Classification: Uncertain significance. Last evaluated: 2024-10-03. Review status: criteria provided, single submitter. Criteria: GeneDx Variant Classification Process June 2021. Collection method: clinical testing. Allele origin: germline.
Comment: Not observed at significant frequency in large population cohorts (gnomAD); In silico analysis indicates that this missense variant does not alter protein structure/function; Has not been previously published as pathogenic or benign to our knowledge